The following is an entry in ClinVar:

ClinVar aggregate classification (germline): Uncertain significance (1 of 4 stars; one submission).

Submission:

Labcorp Genetics (formerly Invitae), Labcorp
Classification: Uncertain significance. Last evaluated: 2024-10-24. Review status: criteria provided, single submitter. Criteria: Invitae Variant Classification Sherloc (09022015). Collection method: clinical testing. Allele origin: germline.
Comment: This sequence change replaces alanine, which is neutral and non-polar, with valine, which is neutral and non-polar, at codon 253 of the POLE2 protein (p.Ala253Val). This variant is not present in population databases (gnomAD no frequency). This variant has not been reported in the literature in individuals affected with POLE2-related conditions. An algorithm developed to predict the effect of missense changes on protein structure and function (PolyPhen-2) suggests that this variant is likely to be tolerated. In summary, the available evidence is currently insufficient to determine the role of this variant in disease. Therefore, it has been classified as a Variant of Uncertain Significance.

NM_002692.4(POLE2):c.758C>T (p.Ala253Val)

Gene: POLE2 (DNA polymerase epsilon 2, accessory subunit; minus strand). Cytogenetic location: 14q21.3.
Variant type: single nucleotide variant.
Coding change: c.758C>T on transcript NM_002692.4 (MANE Select); coding-DNA position 758, C replaced by T.
Protein change: p.Ala253Val; replaces alanine 253 with valine.
Molecular consequence: missense variant.
Genome position (GRCh38, 1-based): chr14:49,655,841, G>A on the plus strand (C>T on the coding strand, the complement: POLE2 is on the minus strand). VCF-style: chr14-49655841-G-A. GRCh37 (hg19) VCF-style: chr14-50122559-G-A.
Other names: c.680C>T, p.Ala227Val (NM_001197330.2); c.758C>T, p.Ala253Val (NM_001197331.3, NM_001348384.2); c.527C>T, p.Ala176Val (NM_001348385.2); short protein forms A176V, A227V, A253V.
Identifiers: ClinVar variation 2801502 (VCV002801502.3), dbSNP rs1884625389, ClinGen allele CA389604705.